The following is an entry in ClinVar:

NM_001913.5(CUX1):c.1681-1G>A

Gene: CUX1 (cut like homeobox 1; plus strand). Cytogenetic location: 7q22.1.
Variant type: single nucleotide variant.
Coding change: c.1681-1G>A on transcript NM_001913.5 (MANE Plus Clinical); the canonical splice acceptor site of the intron before coding-DNA position 1681, G replaced by A.
Molecular consequence: splice acceptor variant.
Genome position (GRCh38, 1-based): chr7:102,280,036, G>A. VCF-style: chr7-102280036-G-A. GRCh37 (hg19) VCF-style: chr7-101923328-G-A.
Other names: c.1633-1G>A (NM_001202544.2, NM_001202544.3); c.1675-1G>A (NM_181500.4); c.1543-1G>A (NM_001202545.3); c.1564-1G>A (NM_001202546.3).
Identifiers: ClinVar variation 1676323 (VCV001676323.9), dbSNP rs1462658824, ClinGen allele CA368680764.

ClinVar aggregate classification (germline): Conflicting classifications of pathogenicity. Review status: criteria provided, conflicting classifications (1 of 4 stars). 4 submissions from 4 submitters: Pathogenic (1); Likely pathogenic (2); Uncertain significance (1). Last evaluated 2026-02-01.

Conditions:
Global developmental delay with or without impaired intellectual development. Identifiers: MedGen C5193032, MONDO:0032680, OMIM 618330.
CUX1-related disorder. Also called: CUX1-related condition.

Submissions (4):

CeGaT Center for Human Genetics Tuebingen
Classification: Pathogenic. Last evaluated: 2026-02-01. Review status: criteria provided, single submitter. Criteria: CeGaT Center For Human Genetics Tuebingen Variant Classification Criteria Version 2. Collection method: clinical testing. Allele origin: germline. Affected: yes. Observed: 1 variant allele.
Comment: CUX1: PVS1, PM2

3billion
Classification: Likely pathogenic for Global developmental delay with or without impaired intellectual development. Last evaluated: 2025-11-10. Review status: criteria provided, single submitter. Criteria: ACMG Guidelines, 2015. Collection method: clinical testing. Allele origin: germline. Affected: yes.
Comment: The variant is not observed in the gnomAD v4.1.0 dataset. Predicted Consequence/Location: Canonical splice site: predicted to alter splicing and result in a loss or disruption of normal protein function. Multiple pathogenic loss-of-function variants are reported downstream of the variant. The variant has been reported to be associated with CUX1-related disorder (ClinVar ID: VCV001676323). Therefore, this variant is classified as Likely pathogenic according to the recommendation of ACMG/AMP guideline.

PreventionGenetics, part of Exact Sciences
Classification: Uncertain significance for CUX1-related condition. Last evaluated: 2024-11-26. Review status: criteria provided, single submitter. Criteria: ACMG Guidelines, 2015. Collection method: clinical testing. Allele origin: germline.
Comment: The CUX1 c.1633-1G>A variant is predicted to disrupt the AG splice acceptor site and interfere with normal splicing. To our knowledge, this variant has not been reported in the literature or in a large population database (gnomAD). Although we suspect that this variant may be pathogenic, at this time, the clinical significance of this variant is uncertain due to the absence of conclusive functional and genetic evidence.

Dasa
Classification: Likely pathogenic for Global developmental delay with or without impaired intellectual development. Last evaluated: 2022-04-10. Review status: criteria provided, single submitter. Criteria: ACMG Guidelines, 2015. Collection method: clinical testing. Allele origin: germline. Affected: yes. Observed: 1 variant allele.
Comment: The c.1633-1G>A variant is located in a canonical splice-site, and it is predicted to alter gene function due to either exon skipping or nonsense-mediate decay – NMD, and the variant is present in a relevant exon to the transcript - PVS1. This variant is not present in population databases ( rs1462658824- gnomAD; ABraOM no frequency) - PM2. In summary, the currently available evidence indicates that the variant is likely pathogenic